The following is an entry in ClinVar:

NM_001278716.2(FBXL4):c.1126G>A (p.Glu376Lys)

Gene: FBXL4 (F-box and leucine rich repeat protein 4; minus strand). Cytogenetic location: 6q16.1.
Variant type: single nucleotide variant.
Coding change: c.1126G>A on transcript NM_001278716.2 (MANE Select); coding-DNA position 1126, G replaced by A.
Protein change: p.Glu376Lys; replaces glutamic acid 376 with lysine.
Molecular consequence: missense variant. On other transcripts: non-coding transcript variant (2).
Genome position (GRCh38, 1-based): chr6:98,899,459, C>T on the plus strand (G>A on the coding strand, the complement: FBXL4 is on the minus strand). VCF-style: chr6-98899459-C-T. GRCh37 (hg19) VCF-style: chr6-99347335-C-T.
Other names: c.1126G>A, p.Glu376Lys (NM_012160.5); c.1126G>A (NM_012160.3); short protein forms E376K.
Identifiers: ClinVar variation 437699 (VCV000437699.7), dbSNP rs745512025, ClinGen allele CA3933517.

ClinVar aggregate classification (germline): Uncertain significance. Review status: criteria provided, multiple submitters, no conflicts (2 of 4 stars). 4 submissions from 4 submitters: Uncertain significance (3). 1 of the submissions does not count toward it. Last evaluated 2025-05-20.

Conditions:
Moyamoya angiopathy. Identifiers: Orphanet 477768, MedGen C5681261.
Mitochondrial DNA depletion syndrome 13. Also called: FBXL4-Related Encephalomyopathic Mitochondrial DNA Depletion Syndrome; Mitochondrial DNA depletion syndrome 13 (encephalomyopathic type). Identifiers: Orphanet 369897, MedGen C3809592, MONDO:0014198, OMIM 615471.

Allele frequency attached by ClinVar (database versions not stated): gnomAD 0.00010; TOPMed 0.00002; ExAC 0.00004.
gnomAD v4.1: 44 of 1,613,440 alleles (0.0027%); highest among the groups gnomAD compares: African/African-American, 0.008%; no homozygotes.

Submissions (4):

GeneDx
Classification: Uncertain significance. Last evaluated: 2025-05-20. Review status: criteria provided, single submitter. Criteria: GeneDx Variant Classification Process June 2021. Collection method: clinical testing. Allele origin: germline. Affected: yes.
Comment: Not observed at significant frequency in large population cohorts (gnomAD); In silico analysis suggests that this missense variant does not alter protein structure/function; Has not been previously published as pathogenic or benign to our knowledge

Labcorp Genetics (formerly Invitae), Labcorp
Classification: Uncertain significance. Last evaluated: 2022-06-24. Review status: criteria provided, single submitter. Criteria: Invitae Variant Classification Sherloc (09022015). Collection method: clinical testing. Allele origin: germline.
Comment: In summary, the available evidence is currently insufficient to determine the role of this variant in disease. Therefore, it has been classified as a Variant of Uncertain Significance. Advanced modeling of protein sequence and biophysical properties (such as structural, functional, and spatial information, amino acid conservation, physicochemical variation, residue mobility, and thermodynamic stability) performed at Invitae indicates that this missense variant is expected to disrupt FBXL4 protein function. ClinVar contains an entry for this variant (Variation ID: 437699). This variant has not been reported in the literature in individuals affected with FBXL4-related conditions. This variant is present in population databases (rs745512025, gnomAD 0.02%). This sequence change replaces glutamic acid, which is acidic and polar, with lysine, which is basic and polar, at codon 376 of the FBXL4 protein (p.Glu376Lys).

Wong Mito Lab, Molecular and Human Genetics, Baylor College of Medicine
Classification: Uncertain significance for Mitochondrial DNA depletion syndrome 13. Last evaluated: 2017-08-10. Review status: criteria provided, single submitter. Criteria: ACMG Guidelines, 2015. Collection method: reference population. Allele origin: germline.
Comment: The NM_012160.4:c.1126G>A (NP_036292.2:p.Glu376Lys) [GRCH38: NC_000006.12:g.98899459C>T] variant in FBXL4 gene is interpretated to be a Uncertain Significance - Conflicting Evidence based on ACMG guidelines (PMID: 25741868). This variant meets one or more of the following evidence codes reported in the ACMG-guideline. PM2:This variant is absent in key population databases. BP4:Computational evidence/predictors indicate no impact on the FBXL4 structure, function, or protein-protein interaction. Based on this evidence code ClinGen Pathogenicity Calculator (PMID:28081714) suggested that the variant is Uncertain Significance - Conflicting Evidence.

University of Washington Center for Mendelian Genomics, University of Washington
Classification: Likely pathogenic for Moyamoya angiopathy. Review status: no assertion criteria provided. Collection method: research. Allele origin: de novo. Affected: yes. Not counted in ClinVar's aggregate classification.

Literature cited by the submitters: PubMed 31474762 (cited by University of Washington Center for Mendelian Genomics, University of Washington).